The following is an entry in ClinVar:

NM_001368397.1(FRMPD4):c.437C>G (p.Ser146Trp)

Gene: FRMPD4 (FERM and PDZ domain containing 4; plus strand). Cytogenetic location: Xp22.2.
Variant type: single nucleotide variant.
Coding change: c.437C>G on transcript NM_001368397.1 (MANE Select); coding-DNA position 437, C replaced by G.
Protein change: p.Ser146Trp; replaces serine 146 with tryptophan.
Molecular consequence: missense variant.
Genome position (GRCh38, 1-based): chrX:12,674,877, C>G. VCF-style: chrX-12674877-C-G. GRCh37 (hg19) VCF-style: chrX-12692996-C-G.
Other names: c.548C>G, p.Ser183Trp (NM_001368395.3, NM_001368398.3); c.437C>G, p.Ser146Trp (NM_001368396.3, NM_014728.3); c.428C>G, p.Ser143Trp (NM_001368399.3); c.317C>G, p.Ser106Trp (NM_001368400.3); c.413C>G, p.Ser138Trp (NM_001368401.1, NM_001368402.3); short protein forms S106W, S138W, S143W, S146W, S183W.
Identifiers: ClinVar variation 1801164 (VCV001801164.1), dbSNP rs2059881267, ClinGen allele CA412007090.

ClinVar aggregate classification (germline): Uncertain significance (1 of 4 stars; one submission).

Submission:

GeneDx
Classification: Uncertain significance. Last evaluated: 2022-05-27. Review status: criteria provided, single submitter. Criteria: GeneDx Variant Classification Process June 2021. Collection method: clinical testing. Allele origin: germline. Affected: yes.
Comment: Not observed at significant frequency in large population cohorts (gnomAD); In silico analysis supports that this missense variant has a deleterious effect on protein structure/function; Has not been previously published as pathogenic or benign to our knowledge.